The following is an entry in ClinVar:

ClinVar aggregate classification (germline): Uncertain significance (1 of 4 stars; one submission).

Allele frequency attached by ClinVar (database versions not stated): gnomAD exomes below 0.00001 and 0.00001; ExAC 0.00001; gnomAD 0.00001; 1000 Genomes Project 30x 0.00016.

Submission:

Labcorp Genetics (formerly Invitae), Labcorp
Classification: Uncertain significance. Last evaluated: 2021-10-02. Review status: criteria provided, single submitter. Criteria: Invitae Variant Classification Sherloc (09022015). Collection method: clinical testing. Allele origin: germline.
Comment: This sequence change replaces arginine with histidine at codon 524 of the BMP1 protein (p.Arg524His). The arginine residue is highly conserved and there is a small physicochemical difference between arginine and histidine. This variant is present in population databases (rs767852826, ExAC 0.006%). This variant has not been reported in the literature in individuals affected with BMP1-related conditions. Algorithms developed to predict the effect of missense changes on protein structure and function are either unavailable or do not agree on the potential impact of this missense change (SIFT: "Deleterious"; PolyPhen-2: "Benign"; Align-GVGD: "Class C25"). In summary, the available evidence is currently insufficient to determine the role of this variant in disease. Therefore, it has been classified as a Variant of Uncertain Significance.

NM_006129.5(BMP1):c.1571G>A (p.Arg524His)

Genes: BMP1 (bone morphogenetic protein 1; plus strand), LOC113788269 (BRD4-independent group 4 enhancer GRCh37_chr8:22052064-22053263; plus strand). Cytogenetic location: 8p21.3.
Variant type: single nucleotide variant.
Coding change: c.1571G>A on transcript NM_006129.5 (MANE Select); coding-DNA position 1571, G replaced by A.
Protein change: p.Arg524His; replaces arginine 524 with histidine.
Molecular consequence: missense variant. On other transcripts: non-coding transcript variant (2).
Genome position (GRCh38, 1-based): chr8:22,194,851, G>A. VCF-style: chr8-22194851-G-A. GRCh37 (hg19) VCF-style: chr8-22052364-G-A.
Other names: c.1571G>A, p.Arg524His (NM_001199.4); short protein forms R524H.
Identifiers: ClinVar variation 1472741 (VCV001472741.3), dbSNP rs767852826, ClinGen allele CA4664711.